The following is an entry in ClinVar:

NM_001374385.1(ATP8B1):c.189A>C (p.Thr63=)

Gene: ATP8B1 (ATPase phospholipid transporting 8B1; minus strand). Cytogenetic location: 18q21.31.
Variant type: single nucleotide variant.
Coding change: c.189A>C on transcript NM_001374385.1 (MANE Select); coding-DNA position 189, A replaced by C.
Protein change: p.Thr63=; no amino-acid change (threonine 63 retained).
Molecular consequence: synonymous variant. On other transcripts: intron variant (1).
Genome position (GRCh38, 1-based): chr18:57,706,580, T>G on the plus strand (A>C on the coding strand, the complement: ATP8B1 is on the minus strand). VCF-style: chr18-57706580-T-G. GRCh37 (hg19) VCF-style: chr18-55373812-T-G.
Other names: c.189A>C, p.Thr63= (NM_005603.6); c.130-1912A>C (NM_001374386.1).
Identifiers: ClinVar variation 2710750 (VCV002710750.4), dbSNP rs35377845, ClinGen allele CA504012690.

ClinVar aggregate classification (germline): Likely benign. Review status: criteria provided, multiple submitters, no conflicts (2 of 4 stars). 2 submissions from 2 submitters: Likely benign (2). Last evaluated 2026-04-14.

Conditions:
Familial intrahepatic cholestasis. Identifiers: Orphanet 284385, MedGen CN296401, MONDO:0017290.

Submissions (2):

Genomenon, Inc
Classification: Likely benign for Familial intrahepatic cholestasis. Last evaluated: 2026-04-14. Review status: criteria provided, single submitter. Criteria: Genomenon Sequence Variant Interpretation Standards - Updated. Collection method: curation. Allele origin: germline. Affected: no.
Comment: ATP8B1 c.189A>C is a synonymous variant that retains Threonine at residue 63. This variant has been reported in the published literature (PMID:24260417). It is absent or not present at a significant frequency in gnomAD. This synonymous variant is not predicted to impact splicing. In conclusion, we classify ATP8B1 p.Thr63= (c.189A>C) as a likely benign variant.

Labcorp Genetics (formerly Invitae), Labcorp
Classification: Likely benign. Last evaluated: 2024-02-06. Review status: criteria provided, single submitter. Criteria: Invitae Variant Classification Sherloc (09022015). Collection method: clinical testing. Allele origin: germline.

Literature cited by the submitters: PubMed 24260417 (cited by Genomenon, Inc).